The following is an entry in ClinVar:

ClinVar aggregate classification (germline): Uncertain significance (1 of 4 stars; one submission).

Conditions:
Cardiovascular phenotype. Identifiers: MedGen CN230736.

gnomAD v4.1: 4 of 1,613,466 alleles (0.00025%); highest among the groups gnomAD compares: Non-Finnish European, 0.00025%; no homozygotes.

Submission:

Ambry Genetics
Classification: Uncertain significance for Cardiovascular phenotype. Last evaluated: 2024-09-22. Review status: criteria provided, single submitter. Criteria: Ambry Variant Classification Scheme 2023. Collection method: clinical testing. Allele origin: germline.
Comment: The p.G2342E variant (also known as c.7025G>A), located in coding exon 19 of the TNXB gene, results from a G to A substitution at nucleotide position 7025. The glycine at codon 2342 is replaced by glutamic acid, an amino acid with similar properties. This amino acid position is conserved. In addition, the in silico prediction for this alteration is inconclusive. Based on the available evidence, the clinical significance of this variant remains unclear.

NM_001365276.2(TNXB):c.7025G>A (p.Gly2342Glu)

Gene: TNXB (tenascin XB; minus strand). Cytogenetic location: 6p21.33.
Variant type: single nucleotide variant.
Coding change: c.7025G>A on transcript NM_001365276.2 (MANE Select); coding-DNA position 7025, G replaced by A.
Protein change: p.Gly2342Glu; replaces glycine 2342 with glutamic acid.
Molecular consequence: missense variant.
Genome position (GRCh38, 1-based): chr6:32,062,300, C>T on the plus strand (G>A on the coding strand, the complement: TNXB is on the minus strand). VCF-style: chr6-32062300-C-T. GRCh37 (hg19) VCF-style: chr6-32030077-C-T.
Other names: c.7766G>A, p.Gly2589Glu (NM_001428335.1); c.7025G>A, p.Gly2342Glu (NM_019105.8); short protein forms G2342E, G2589E.
Identifiers: ClinVar variation 3459725 (VCV003459725.1).